The following is an entry in ClinVar:

ClinVar aggregate classification (germline): Uncertain significance (1 of 4 stars; one submission).

Allele frequency attached by ClinVar (database versions not stated): TOPMed below 0.00001.

Submission:

Labcorp Genetics (formerly Invitae), Labcorp
Classification: Uncertain significance. Last evaluated: 2025-01-23. Review status: criteria provided, single submitter. Criteria: Invitae Variant Classification Sherloc (09022015). Collection method: clinical testing. Allele origin: germline.
Comment: This sequence change replaces glutamic acid, which is acidic and polar, with glycine, which is neutral and non-polar, at codon 729 of the AP3D1 protein (p.Glu729Gly). This variant is not present in population databases (gnomAD no frequency). This variant has not been reported in the literature in individuals affected with AP3D1-related conditions. ClinVar contains an entry for this variant (Variation ID: 2794422). An algorithm developed to predict the effect of missense changes on protein structure and function (PolyPhen-2) suggests that this variant is likely to be tolerated. In summary, the available evidence is currently insufficient to determine the role of this variant in disease. Therefore, it has been classified as a Variant of Uncertain Significance.

NM_001261826.3(AP3D1):c.2186A>G (p.Glu729Gly)

Gene: AP3D1 (adaptor related protein complex 3 subunit delta 1; minus strand). Cytogenetic location: 19p13.3.
Variant type: single nucleotide variant.
Coding change: c.2186A>G on transcript NM_001261826.3 (MANE Select); coding-DNA position 2186, A replaced by G.
Protein change: p.Glu729Gly; replaces glutamic acid 729 with glycine.
Molecular consequence: missense variant.
Genome position (GRCh38, 1-based): chr19:2,115,382, T>C on the plus strand (A>G on the coding strand, the complement: AP3D1 is on the minus strand). VCF-style: chr19-2115382-T-C. GRCh37 (hg19) VCF-style: chr19-2115381-T-C.
Other names: c.2186A>G, p.Glu729Gly (NM_001374799.1, NM_003938.8); short protein forms E729G.
Identifiers: ClinVar variation 2794422 (VCV002794422.3), dbSNP rs2018415997, ClinGen allele CA403213763.